The following is an entry in ClinVar:

NM_001211.6(BUB1B):c.725T>C (p.Ile242Thr)

Gene: BUB1B (BUB1 mitotic checkpoint serine/threonine kinase B; plus strand). Cytogenetic location: 15q15.1.
Variant type: single nucleotide variant.
Coding change: c.725T>C on transcript NM_001211.6 (MANE Select); coding-DNA position 725, T replaced by C.
Protein change: p.Ile242Thr; replaces isoleucine 242 with threonine.
Molecular consequence: missense variant.
Genome position (GRCh38, 1-based): chr15:40,183,857, T>C. VCF-style: chr15-40183857-T-C. GRCh37 (hg19) VCF-style: chr15-40476058-T-C.
Other names: short protein forms I242T.
Identifiers: ClinVar variation 3262233 (VCV003262233.1).

ClinVar aggregate classification (germline): Uncertain significance (1 of 4 stars; one submission).

Conditions:
Inborn genetic diseases. Identifiers: MedGen C0950123, MeSH D030342.

Submission:

Ambry Genetics
Classification: Uncertain significance for Inborn genetic diseases. Last evaluated: 2024-04-06. Review status: criteria provided, single submitter. Criteria: Ambry Variant Classification Scheme 2023. Collection method: clinical testing. Allele origin: germline.
Comment: The p.I242T variant (also known as c.725T>C), located in coding exon 6 of the BUB1B gene, results from a T to C substitution at nucleotide position 725. The isoleucine at codon 242 is replaced by threonine, an amino acid with similar properties. This amino acid position is conserved. In addition, this alteration is predicted to be tolerated by in silico analysis. Based on the available evidence, the clinical significance of this variant remains unclear.